The following is an entry in ClinVar:

ClinVar aggregate classification (germline): Uncertain significance (1 of 4 stars; one submission).

Allele frequency attached by ClinVar (database versions not stated): gnomAD exomes below 0.00001; gnomAD 0.00001.
gnomAD v4.1: 2 of 1,614,030 alleles (0.00012%); highest among the groups gnomAD compares: African/African-American, 0.0027%; no homozygotes.

Submission:

Ambry Genetics
Classification: Uncertain significance. Last evaluated: 2023-05-26. Review status: criteria provided, single submitter. Criteria: Ambry Variant Classification Scheme 2023. Collection method: clinical testing. Allele origin: germline.
Comment: The p.L796R variant (also known as c.2387T>G), located in coding exon 15 of the POLQ gene, results from a T to G substitution at nucleotide position 2387. The leucine at codon 796 is replaced by arginine, an amino acid with dissimilar properties. This amino acid position is conserved. In addition, this alteration is predicted to be deleterious by in silico analysis. Since supporting evidence is limited at this time, the clinical significance of this alteration remains unclear.

NM_199420.4(POLQ):c.2387T>G (p.Leu796Arg)

Gene: POLQ (DNA polymerase theta; minus strand). Cytogenetic location: 3q13.33.
Variant type: single nucleotide variant.
Coding change: c.2387T>G on transcript NM_199420.4 (MANE Select); coding-DNA position 2387, T replaced by G.
Protein change: p.Leu796Arg; replaces leucine 796 with arginine.
Molecular consequence: missense variant.
Genome position (GRCh38, 1-based): chr3:121,493,613, A>C on the plus strand (T>G on the coding strand, the complement: POLQ is on the minus strand). VCF-style: chr3-121493613-A-C. GRCh37 (hg19) VCF-style: chr3-121212460-A-C.
Other names: short protein forms L796R.
Identifiers: ClinVar variation 2560551 (VCV002560551.2), dbSNP rs2048089699, ClinGen allele CA354107955.